The following is an entry in ClinVar:

NM_015884.4(MBTPS2):c.412C>T (p.His138Tyr)

Gene: MBTPS2 (membrane bound transcription factor peptidase, site 2; plus strand). Cytogenetic location: Xp22.12.
Variant type: single nucleotide variant.
Coding change: c.412C>T on transcript NM_015884.4 (MANE Select); coding-DNA position 412, C replaced by T.
Protein change: p.His138Tyr; replaces histidine 138 with tyrosine.
Molecular consequence: missense variant.
Genome position (GRCh38, 1-based): chrX:21,845,358, C>T. VCF-style: chrX-21845358-C-T. GRCh37 (hg19) VCF-style: chrX-21863476-C-T.
Other names: short protein forms H138Y.
Identifiers: ClinVar variation 3652439 (VCV003652439.2).
Genomic context (GRCh38, chrX:21,845,358, plus strand): 5'-TCTTCCTCTTCCTCCTCTTCTTCCTCTTCCTCTTCTTCATCTTCTTCCTCTTCCTCGCTT[C>T]ACAATGAACAGGTGTTACAAGTTGTGGTAAGTATCGTCTTTTCGCTTTAAATAACTATCG-3'
Protein context (NP_056968.1, residues 128-148): SSSSSSSSSL[His138Tyr]NEQVLQVVVP

ClinVar aggregate classification (germline): Uncertain significance (1 of 4 stars; one submission).

Submission:

Labcorp Genetics (formerly Invitae), Labcorp
Classification: Uncertain significance. Last evaluated: 2024-05-13. Review status: criteria provided, single submitter. Criteria: Invitae Variant Classification Sherloc (09022015). Collection method: clinical testing. Allele origin: germline.
Comment: This sequence change replaces histidine, which is basic and polar, with tyrosine, which is neutral and polar, at codon 138 of the MBTPS2 protein (p.His138Tyr). This variant is not present in population databases (gnomAD no frequency). This variant has not been reported in the literature in individuals affected with MBTPS2-related conditions. Advanced modeling of protein sequence and biophysical properties (such as structural, functional, and spatial information, amino acid conservation, physicochemical variation, residue mobility, and thermodynamic stability) performed at Invitae indicates that this missense variant is not expected to disrupt MBTPS2 protein function with a negative predictive value of 80%. In summary, the available evidence is currently insufficient to determine the role of this variant in disease. Therefore, it has been classified as a Variant of Uncertain Significance.